The following is an entry in ClinVar:

NM_002016.2(FLG):c.5773C>G (p.Gln1925Glu)

Genes: CCDST (cervical cancer associated DHX9 suppressive transcript; plus strand), FLG (filaggrin; minus strand). Cytogenetic location: 1q21.3.
Variant type: single nucleotide variant.
Coding change: c.5773C>G on transcript NM_002016.2 (MANE Select); coding-DNA position 5773, C replaced by G.
Protein change: p.Gln1925Glu; replaces glutamine 1925 with glutamic acid.
Molecular consequence: missense variant.
Genome position (GRCh38, 1-based): chr1:152,309,113, G>C on the plus strand (C>G on the coding strand, the complement: FLG is on the minus strand). VCF-style: chr1-152309113-G-C. GRCh37 (hg19) VCF-style: chr1-152281589-G-C.
Other names: short protein forms Q1925E.
Identifiers: ClinVar variation 2222579 (VCV002222579.26), dbSNP rs142332759, ClinGen allele CA1105598.
Genomic context (GRCh38, chr1:152,309,113, plus strand): 5'-ATCCAAGATGGTTTCTGGAAGCAGACCCAGACCACCTCTCAGAGTCTTCTGAGTGTCCCT[G>C]ACTGTCACTGTCCTGGCTAACACTGGATCCCTGGTTCCTGCTTGTCCTGGGCCCTGATGA-3'
Protein context (NP_002007.1, residues 1915-1935): GSSVSQDSDS[Gln1925Glu]GHSEDSERWS

ClinVar aggregate classification (germline): Likely benign. Review status: criteria provided, multiple submitters, no conflicts (2 of 4 stars). 2 submissions from 2 submitters: Likely benign (2). Last evaluated 2024-08-01.

Conditions:
Inborn genetic diseases. Identifiers: MedGen C0950123, MeSH D030342.

gnomAD v4.1: 1,077 of 1,613,476 alleles (0.067%); highest among the groups gnomAD compares: Non-Finnish European, 0.014%; no homozygotes.

Submissions (2):

CeGaT Center for Human Genetics Tuebingen
Classification: Likely benign. Last evaluated: 2024-08-01. Review status: criteria provided, single submitter. Criteria: CeGaT Center For Human Genetics Tuebingen Variant Classification Criteria Version 2. Collection method: clinical testing. Allele origin: germline. Affected: yes. Observed: 6 variant alleles.
Comment: FLG: BP4, BS1

Ambry Genetics
Classification: Likely benign for Inborn genetic diseases. Last evaluated: 2021-10-26. Review status: criteria provided, single submitter. Criteria: Ambry Variant Classification Scheme 2023. Collection method: clinical testing. Allele origin: germline.